The following is an entry in ClinVar:

NM_001378120.1(MBD5):c.4313G>A (p.Gly1438Glu)

Gene: MBD5 (methyl-CpG binding domain protein 5; plus strand). Cytogenetic location: 2q23.1.
Variant type: single nucleotide variant.
Coding change: c.4313G>A on transcript NM_001378120.1 (MANE Select); coding-DNA position 4313, G replaced by A.
Protein change: p.Gly1438Glu; replaces glycine 1438 with glutamic acid.
Molecular consequence: missense variant.
Genome position (GRCh38, 1-based): chr2:148,489,945, G>A. VCF-style: chr2-148489945-G-A. GRCh37 (hg19) VCF-style: chr2-149247514-G-A.
Other names: c.3614G>A, p.Gly1205Glu (NM_018328.5); short protein forms G1205E, G1438E.
Identifiers: ClinVar variation 1491177 (VCV001491177.8), dbSNP rs1559099144, ClinGen allele CA348728690.
Genomic context (GRCh38, chr2:148,489,945, plus strand): 5'-TCAAGTCAGCAAGTTGCCACACATCCAAAAAACAGTGGGACGGGGAGCAAAGCCCCAGAG[G>A]GGAGCGAAACAGGTGGAAGTACGAGGAATTTTTAGATCATCCAGGCCATATCCACAGTAG-3'
Protein context (NP_001365049.1, residues 1428-1448): KQWDGEQSPR[Gly1438Glu]ERNRWKYEEF

ClinVar aggregate classification (germline): Uncertain significance (1 of 4 stars; one submission).

Conditions:
Intellectual developmental disorder, autosomal dominant 1. Also called: Intellectual disability, autosomal dominant 1; MBD5 Haploinsufficiency. Identifiers: Orphanet 228402, MedGen C1969562, MONDO:0007974, OMIM 156200.

Submission:

Labcorp Genetics (formerly Invitae), Labcorp
Classification: Uncertain significance for Intellectual developmental disorder, autosomal dominant 1. Last evaluated: 2021-07-17. Review status: criteria provided, single submitter. Criteria: Invitae Variant Classification Sherloc (09022015). Collection method: clinical testing. Allele origin: germline.
Comment: This variant has not been reported in the literature in individuals affected with MBD5-related conditions. In summary, the available evidence is currently insufficient to determine the role of this variant in disease. Therefore, it has been classified as a Variant of Uncertain Significance. Algorithms developed to predict the effect of missense changes on protein structure and function are either unavailable or do not agree on the potential impact of this missense change (SIFT: "Deleterious"; PolyPhen-2: "Not Available"; Align-GVGD: "Class C65"). This variant is not present in population databases (ExAC no frequency). This sequence change replaces glycine with glutamic acid at codon 1205 of the MBD5 protein (p.Gly1205Glu). The glycine residue is highly conserved and there is a moderate physicochemical difference between glycine and glutamic acid.